The following is an entry in ClinVar:

ClinVar aggregate classification (germline): Uncertain significance. Review status: criteria provided, multiple submitters, no conflicts (2 of 4 stars). 2 submissions from 2 submitters: Uncertain significance (2). Last evaluated 2026-03-11.

Conditions:
Cardiovascular phenotype. Identifiers: MedGen CN230736.

gnomAD v4.1: 1 of 1,595,458 alleles (0.000063%); highest among the groups gnomAD compares: Non-Finnish European, 0.000085%; no homozygotes.

Submissions (2):

Ambry Genetics
Classification: Uncertain significance for Cardiovascular phenotype. Last evaluated: 2026-03-11. Review status: criteria provided, single submitter. Criteria: Ambry Variant Classification Scheme 2023. Collection method: clinical testing. Allele origin: germline.
Comment: The p.T54K variant (also known as c.161C>A), located in coding exon 1 of the LMNA gene, results from a C to A substitution at nucleotide position 161. The threonine at codon 54 is replaced by lysine, an amino acid with similar properties. This amino acid position is conserved. In addition, the in silico prediction for this alteration is inconclusive. Based on the available evidence, the clinical significance of this variant remains unclear.

GeneDx
Classification: Uncertain significance. Last evaluated: 2024-01-09. Review status: criteria provided, single submitter. Criteria: GeneDx Variant Classification Process June 2021. Collection method: clinical testing. Allele origin: germline. Affected: yes.
Comment: Has not been previously published as pathogenic or benign to our knowledge; Not observed in large population cohorts (gnomAD); In silico analysis supports that this missense variant does not alter protein structure/function; This variant is associated with the following publications: (PMID: 10939567)

NM_170707.4(LMNA):c.161C>A (p.Thr54Lys)

Gene: LMNA (lamin A/C; plus strand). Cytogenetic location: 1q22.
Variant type: single nucleotide variant.
Coding change: c.161C>A on transcript NM_170707.4 (MANE Select); coding-DNA position 161, C replaced by A.
Protein change: p.Thr54Lys; replaces threonine 54 with lysine.
Molecular consequence: missense variant. On other transcripts: 5 prime UTR variant (8), intron variant (2).
Genome position (GRCh38, 1-based): chr1:156,115,079, C>A. VCF-style: chr1-156115079-C-A. GRCh37 (hg19) VCF-style: chr1-156084870-C-A.
Other names: c.161C>A, p.Thr54Lys (NM_001282625.2, NM_001282626.2, NM_001406983.1 and 6 more transcripts); c.-263C>A (NM_001406986.1); c.-241C>A (NM_001406990.1, NM_001406995.1, NM_001407002.1); c.-504C>A (NM_001406994.1, NM_001407000.1); c.-684C>A (NM_001406999.1); c.-347C>A (NM_001407001.1); c.-203+8256C>A (NM_001406993.1, NM_001407003.1); short protein forms T54K.
Identifiers: ClinVar variation 3340360 (VCV003340360.2).